The following is an entry in ClinVar:

NM_000057.4(BLM):c.3753del (p.Glu1251fs)

Gene: BLM (BLM RecQ like helicase; plus strand). Cytogenetic location: 15q26.1.
Variant type: Deletion.
Coding change: c.3753del on transcript NM_000057.4 (MANE Select); coding-DNA position 3753, one base deleted (A; older notation c.3753delA).
Protein change: p.Glu1251fs; shifts the reading frame from glutamic acid 1251.
Molecular consequence: frameshift variant.
Genome position (GRCh38, 1-based): chr15:90,809,138, A deleted; the last of 2 consecutive A bases (chr15:90,809,137-90,809,138); deleting either gives the same sequence. VCF-style (leftmost placement, unchanged base first): chr15-90809136-GA-G. GRCh37 (hg19) VCF-style: chr15-91352366-GA-G.
Other names: c.3753del (LRG_20t1); c.3753del, p.Glu1251fs (NM_001287246.2); c.3360del, p.Glu1120fs (NM_001287247.2); c.2628del, p.Glu876fs (NM_001287248.2); short protein forms E1120fs, E1251fs, E876fs.
Identifiers: ClinVar variation 554674 (VCV000554674.8), dbSNP rs1275708646, ClinGen allele CA658824107.

ClinVar aggregate classification (germline): Pathogenic. Review status: criteria provided, single submitter (1 of 4 stars). 2 submissions from 2 submitters: Pathogenic (1). 1 of the submissions does not count toward it. Last evaluated 2025-10-07.

Conditions:
Bloom syndrome (BLM). Also called: Bloom-Torre-Machacek syndrome. Identifiers: Orphanet 125, MedGen C0005859, MONDO:0008876, OMIM 210900.

Submissions (2):

Labcorp Genetics (formerly Invitae), Labcorp
Classification: Pathogenic for Bloom syndrome. Last evaluated: 2025-10-07. Review status: criteria provided, single submitter. Criteria: Invitae Variant Classification Sherloc (09022015). Collection method: clinical testing. Allele origin: germline.
Comment: This sequence change creates a premature translational stop signal (p.Glu1251Aspfs*28) in the BLM gene. It is expected to result in an absent or disrupted protein product. Loss-of-function variants in BLM are known to be pathogenic (PMID: 17407155). This variant is not present in population databases (gnomAD no frequency). This variant has not been reported in the literature in individuals affected with BLM-related conditions. ClinVar contains an entry for this variant (Variation ID: 554674). Algorithms developed to predict the effect of sequence changes on RNA splicing suggest that this variant may disrupt the consensus splice site. For these reasons, this variant has been classified as Pathogenic.

Counsyl
Classification: Likely pathogenic for Bloom syndrome. Last evaluated: 2017-10-31. Review status: no assertion criteria provided. Collection method: clinical testing. Allele origin: unknown. Not counted in ClinVar's aggregate classification.

Literature cited by the submitters: PubMed 17407155 (cited by Labcorp Genetics (formerly Invitae), Labcorp).